The following is an entry in ClinVar:

ClinVar aggregate classification (germline): Uncertain significance (1 of 4 stars; one submission).

Allele frequency attached by ClinVar (database versions not stated): gnomAD 0.00001; TOPMed 0.00001; ExAC 0.00002; gnomAD exomes 0.00005; ESP Exome Variant Server 0.00008.
gnomAD v4.1: 80 of 1,613,738 alleles (0.005%); highest among the groups gnomAD compares: Non-Finnish European, 0.0065%; no homozygotes.

Submission:

Labcorp Genetics (formerly Invitae), Labcorp
Classification: Uncertain significance. Last evaluated: 2022-05-15. Review status: criteria provided, single submitter. Criteria: Invitae Variant Classification Sherloc (09022015). Collection method: clinical testing. Allele origin: germline.
Comment: This sequence change replaces glycine, which is neutral and non-polar, with valine, which is neutral and non-polar, at codon 236 of the POLR1A protein (p.Gly236Val). This variant is present in population databases (rs376079853, gnomAD 0.004%). This variant has not been reported in the literature in individuals affected with POLR1A-related conditions. Algorithms developed to predict the effect of missense changes on protein structure and function are either unavailable or do not agree on the potential impact of this missense change (SIFT: "Not Available"; PolyPhen-2: "Benign"; Align-GVGD: "Not Available"). In summary, the available evidence is currently insufficient to determine the role of this variant in disease. Therefore, it has been classified as a Variant of Uncertain Significance.

NM_015425.6(POLR1A):c.707G>T (p.Gly236Val)

Gene: POLR1A (RNA polymerase I subunit A; minus strand). Cytogenetic location: 2p11.2.
Variant type: single nucleotide variant.
Coding change: c.707G>T on transcript NM_015425.6 (MANE Select); coding-DNA position 707, G replaced by T.
Protein change: p.Gly236Val; replaces glycine 236 with valine.
Molecular consequence: missense variant.
Genome position (GRCh38, 1-based): chr2:86,088,589, C>A on the plus strand (G>T on the coding strand, the complement: POLR1A is on the minus strand). VCF-style: chr2-86088589-C-A. GRCh37 (hg19) VCF-style: chr2-86315712-C-A.
Other names: short protein forms G236V.
Identifiers: ClinVar variation 2072921 (VCV002072921.1), dbSNP rs376079853, ClinGen allele CA1746564.
Genomic context (GRCh38, chr2:86,088,589, plus strand): 5'-CTCACATGGAGCTCCTCTCCAGACCCAGCCTGCTCACCCAGGGGCTCAGAGTCCTTCTGG[C>A]CAGCTGTCCTGTGCACCATGGCTGGAAACGTGATAGTCAACTTGCTGTTGTGTTCCTTTC-3'
Protein context (NP_056240.2, residues 226-246): TFPAMVHRTA[Gly236Val]QKDSEPLGIE